The following is an entry in ClinVar:

NM_000021.4(PSEN1):c.446T>C (p.Leu149Pro)

Gene: PSEN1 (presenilin 1; plus strand). Cytogenetic location: 14q24.2.
Variant type: single nucleotide variant.
Coding change: c.446T>C on transcript NM_000021.4 (MANE Select); coding-DNA position 446, T replaced by C.
Protein change: p.Leu149Pro; replaces leucine 149 with proline.
Molecular consequence: missense variant.
Genome position (GRCh38, 1-based): chr14:73,173,673, T>C. VCF-style: chr14-73173673-T-C. GRCh37 (hg19) VCF-style: chr14-73640381-T-C.
Other names: c.434T>C, p.Leu145Pro (NM_007318.3); short protein forms L145P, L149P.
Identifiers: ClinVar variation 3898609 (VCV003898609.7).

ClinVar aggregate classification (germline): Uncertain significance. Review status: criteria provided, multiple submitters, no conflicts (2 of 4 stars). 2 submissions from 2 submitters: Uncertain significance (2). Last evaluated 2026-04-14.

Conditions:
Alzheimer disease 3 (AD3). Also called: ALZHEIMER DISEASE, FAMILIAL, 3. Identifiers: Orphanet 1020, MedGen C1843013, MONDO:0011913, OMIM 607822.

Submissions (2):

MVZ Martinsried, Medicover Genetics
Classification: Uncertain significance for Alzheimer disease 3. Last evaluated: 2026-04-14. Review status: criteria provided, single submitter. Criteria: ClinGen Variant Curation SOP V3.2 + Classification Guidance July2025. Collection method: clinical testing. Allele origin: unknown. Affected: yes. Observed: 1 heterozygote.

CeGaT Center for Human Genetics Tuebingen
Classification: Uncertain significance. Last evaluated: 2025-04-01. Review status: criteria provided, single submitter. Criteria: CeGaT Center For Human Genetics Tuebingen Variant Classification Criteria Version 2. Collection method: clinical testing. Allele origin: germline. Affected: yes. Observed: 1 variant allele.
Comment: PSEN1: PM2, PP2